The following is an entry in ClinVar:

NM_001145809.2(MYH14):c.5990C>T (p.Thr1997Met)

Gene: MYH14 (myosin heavy chain 14; plus strand). Cytogenetic location: 19q13.33.
Variant type: single nucleotide variant.
Coding change: c.5990C>T on transcript NM_001145809.2 (MANE Select); coding-DNA position 5990, C replaced by T.
Protein change: p.Thr1997Met; replaces threonine 1997 with methionine.
Molecular consequence: missense variant.
Genome position (GRCh38, 1-based): chr19:50,309,669, C>T. VCF-style: chr19-50309669-C-T. GRCh37 (hg19) VCF-style: chr19-50812926-C-T.
Other names: c.5891C>T, p.Thr1964Met (NM_001077186.2); c.5867C>T, p.Thr1956Met (NM_024729.4); short protein forms T1997M, T1956M, T1964M.
Identifiers: ClinVar variation 228882 (VCV000228882.17), dbSNP rs201986144, ClinGen allele CA9593979.
Genomic context (GRCh38, chr19:50,309,669, plus strand): 5'-ATCTCTGTATCCTGGTCTCTCCTCCCCACAGACGCGGCCCCCTCACCTTCACCACCCGCA[C>T]GGTGCGCCAGGTCTTCCGACTAGAGGAGGGCGTGGCATCCGACGAGGAGGCAGAGGAAGC-3'
Protein context (NP_001139281.1, residues 1987-2007): RRGPLTFTTR[Thr1997Met]VRQVFRLEEG

ClinVar aggregate classification (germline): Uncertain significance. Review status: criteria provided, multiple submitters, no conflicts (2 of 4 stars). 5 submissions from 5 submitters: Uncertain significance (5). Last evaluated 2024-03-16.

Conditions:
Inborn genetic diseases. Identifiers: MedGen C0950123, MeSH D030342.
Autosomal dominant nonsyndromic hearing loss 4A. Also called: Deafness, autosomal dominant 4A. Identifiers: Orphanet 90635, MedGen C1833503, MONDO:0010915, OMIM 600652.

Allele frequency attached by ClinVar (database versions not stated): TOPMed 0.00006; gnomAD 0.00010; ESP Exome Variant Server 0.00016.
gnomAD v4.1: 210 of 1,610,816 alleles (0.013%); highest among the groups gnomAD compares: Non-Finnish European, 0.016%; 2 homozygotes.

Submissions (5):

Ambry Genetics
Classification: Uncertain significance for Inborn genetic diseases. Last evaluated: 2024-03-16. Review status: criteria provided, single submitter. Criteria: Ambry Variant Classification Scheme 2023. Collection method: clinical testing. Allele origin: germline.

Labcorp Genetics (formerly Invitae), Labcorp
Classification: Uncertain significance. Last evaluated: 2024-01-13. Review status: criteria provided, single submitter. Criteria: Invitae Variant Classification Sherloc (09022015). Collection method: clinical testing. Allele origin: germline.
Comment: This sequence change replaces threonine, which is neutral and polar, with methionine, which is neutral and non-polar, at codon 1956 of the MYH14 protein (p.Thr1956Met). This variant is present in population databases (rs201986144, gnomAD 0.01%). This variant has not been reported in the literature in individuals affected with MYH14-related conditions. ClinVar contains an entry for this variant (Variation ID: 228882). Experimental studies and prediction algorithms are not available or were not evaluated, and the functional significance of this variant is currently unknown. In summary, the available evidence is currently insufficient to determine the role of this variant in disease. Therefore, it has been classified as a Variant of Uncertain Significance.

Mayo Clinic Laboratories, Mayo Clinic
Classification: Uncertain significance. Last evaluated: 2019-11-03. Review status: criteria provided, single submitter. Criteria: ACMG Guidelines, 2015. Collection method: clinical testing. Allele origin: germline. Observed: 1 variant allele.

Illumina Laboratory Services, Illumina
Classification: Uncertain significance for Autosomal dominant nonsyndromic hearing loss 4A. Last evaluated: 2018-01-13. Review status: criteria provided, single submitter. Criteria: ICSL Variant Classification Criteria 13 December 2019. Collection method: clinical testing. Allele origin: germline.

Laboratory for Molecular Medicine, Mass General Brigham Personalized Medicine
Classification: Uncertain significance. Last evaluated: 2015-05-07. Review status: criteria provided, single submitter. Criteria: LMM Criteria. Collection method: clinical testing. Allele origin: germline. Observed: 1 variant allele.
Comment: The p.Thr1997Met variant in MYH14 has not been previously reported in individual s with hearing loss, but has been identified in 7/46670 European chromosomes by the Exome Aggregation Consortium (ExAC; dbSNP rs 201986144). Computational prediction tools and conservation analyses do not prov ide strong support for or against an impact to the protein. In summary, the clin ical significance of the p.Thr1997Met variant is uncertain.